The following is an entry in ClinVar:

NM_000551.4(VHL):c.99_113dup (p.Ala35_Gly39dup)

Gene: VHL (von Hippel-Lindau tumor suppressor; plus strand). Cytogenetic location: 3p25.3.
Variant type: Duplication.
Coding change: c.99_113dup on transcript NM_000551.4 (MANE Select); coding-DNA positions 99 to 113, 15 bases duplicated (GGGCGCCGAGGAGTC).
Protein change: p.Ala35_Gly39dup.
Molecular consequence: inframe insertion.
Genome position (GRCh38, 1-based): chr3:10,141,946-10,141,960, GGGCGCCGAGGAGTC duplicated; duplicating any 15 consecutive bases within chr3:10,141,938-10,141,960 gives the same sequence; the c. name uses the placement nearest the transcript's 3' end. VCF-style (leftmost placement, unchanged base first): chr3-10141937-G-GGAGGAGTCGGGCGCC. GRCh37 (hg19) VCF-style: chr3-10183621-G-GGAGGAGTCGGGCGCC.
Other names: c.99_113dup, p.Ala35_Gly39dup (NM_001354723.2, NM_198156.3); c.99_113dupGGGCGCCGAGGAGTC (NM_000551.3).
Identifiers: ClinVar variation 856826 (VCV000856826.24), dbSNP rs1236159514, ClinGen allele CA541213520.

ClinVar aggregate classification (germline): Conflicting classifications of pathogenicity. Review status: criteria provided, conflicting classifications (1 of 4 stars). 6 submissions from 6 submitters: Uncertain significance (5); Likely benign (1). Last evaluated 2026-01-06.

Conditions:
Chuvash polycythemia. Also called: POLYCYTHEMIA, VHL-DEPENDENT. Identifiers: Orphanet 238557, MedGen C1837915, MONDO:0009892, OMIM 263400.
Von Hippel-Lindau syndrome (VHLS). Also called: VHL syndrome; von Hippel–Lindau syndrome; Von Hippel-Lindau. Identifiers: Orphanet 892, MedGen C0019562, MONDO:0008667, OMIM 193300. Disease mechanism: loss of function.
Hereditary cancer-predisposing syndrome. Also called: Hereditary neoplastic syndrome; Tumor predisposition; Neoplastic Syndromes, Hereditary; Hereditary Cancer Syndrome. Identifiers: Orphanet 140162, MedGen C0027672, MeSH D009386, MONDO:0015356.

Submissions (6):

Labcorp Genetics (formerly Invitae), Labcorp
Classification: Uncertain significance for Von Hippel-Lindau syndrome; Chuvash polycythemia. Last evaluated: 2026-01-06. Review status: criteria provided, single submitter. Criteria: Invitae Variant Classification Sherloc (09022015). Collection method: clinical testing. Allele origin: germline.
Comment: This variant, c.99_113dup, results in the insertion of 5 amino acid(s) of the VHL protein (p.Ala35_Gly39dup), but otherwise preserves the integrity of the reading frame. This variant is present in population databases (no rsID available, gnomAD 0.002%). This variant has not been reported in the literature in individuals affected with VHL-related conditions. ClinVar contains an entry for this variant (Variation ID: 856826). Experimental studies and prediction algorithms are not available or were not evaluated, and the functional significance of this variant is currently unknown. In summary, the available evidence is currently insufficient to determine the role of this variant in disease. Therefore, it has been classified as a Variant of Uncertain Significance.

Ambry Genetics
Classification: Likely benign for Hereditary cancer-predisposing syndrome. Last evaluated: 2024-12-19. Review status: criteria provided, single submitter. Criteria: Ambry Variant Classification Scheme 2023. Collection method: clinical testing. Allele origin: germline.

All of Us Research Program, National Institutes of Health
Classification: Uncertain significance for Von Hippel-Lindau syndrome. Last evaluated: 2024-04-16. Review status: criteria provided, single submitter. Criteria: ACMG Guidelines, 2015. Collection method: clinical testing. Allele origin: germline. Inheritance: Autosomal dominant inheritance. Observed: 2 variant alleles, 2 heterozygotes.
Comment: This variant causes an in-frame duplication of five amino acids in the VHL protein. To our knowledge, functional studies have not been reported for this variant. This variant has not been reported in individuals affected with VHL-related disorders in the literature. This variant has been identified in 2/145164 chromosomes in the general population by the Genome Aggregation Database (gnomAD). The available evidence is insufficient to determine the role of this variant in disease conclusively. Therefore, this variant is classified as a Variant of Uncertain Significance.

This study involves interpretation of variants in research participants for the purpose of population health screening. Participant phenotype was not available at the time of variant classification. Additional details can be found in publication PMID: 35346344, PMCID: PMC8962531

GeneDx
Classification: Uncertain significance. Last evaluated: 2024-02-02. Review status: criteria provided, single submitter. Criteria: GeneDx Variant Classification Process June 2021. Collection method: clinical testing. Allele origin: germline. Affected: yes.
Comment: Not observed at significant frequency in large population cohorts (gnomAD); In-frame insertion of 5 amino acids in a non-repeat region; Has not been previously published as pathogenic or benign to our knowledge

Color Diagnostics, LLC DBA Color Health
Classification: Uncertain significance for Von Hippel-Lindau syndrome. Last evaluated: 2023-07-27. Review status: criteria provided, single submitter. Criteria: ACMG Guidelines, 2015. Collection method: clinical testing. Allele origin: germline.
Comment: This variant causes an in-frame duplication of five amino acids in the VHL protein. To our knowledge, functional studies have not been reported for this variant. This variant has not been reported in individuals affected with VHL-related disorders in the literature. This variant has been identified in 2/145164 chromosomes in the general population by the Genome Aggregation Database (gnomAD). The available evidence is insufficient to determine the role of this variant in disease conclusively. Therefore, this variant is classified as a Variant of Uncertain Significance.

Baylor Genetics
Classification: Uncertain significance for Chuvash polycythemia. Last evaluated: 2023-07-06. Review status: criteria provided, single submitter. Criteria: ACMG Guidelines, 2015. Collection method: clinical testing. Allele origin: unknown.

Literature cited by the submitters: PubMed 12004076 (cited by Ambry Genetics); PubMed 19878677 (cited by Ambry Genetics); PubMed 25661653 (cited by Ambry Genetics).